The following is an entry in ClinVar:

ClinVar aggregate classification (germline): Conflicting classifications of pathogenicity. Review status: criteria provided, conflicting classifications (1 of 4 stars). 5 submissions from 5 submitters: Uncertain significance (4); Likely benign (1). Last evaluated 2026-01-26.

Conditions:
Hereditary cancer-predisposing syndrome. Also called: Hereditary neoplastic syndrome; Neoplastic Syndromes, Hereditary; Tumor predisposition; Hereditary Cancer Syndrome. Identifiers: Orphanet 140162, MedGen C0027672, MeSH D009386, MONDO:0015356.
Intellectual disability, autosomal dominant 16 (CSS4). Also called: COFFIN-SIRIS SYNDROME 4. Identifiers: Orphanet 1465, MedGen C3553249, MONDO:0013821, OMIM 614609.
Rhabdoid tumor predisposition syndrome 2 (RTPS2). Identifiers: Orphanet 231108, Orphanet 69077, MedGen C2750074, MONDO:0013224, OMIM 613325.

Allele frequency attached by ClinVar (database versions not stated): gnomAD exomes below 0.00001; ExAC 0.00001; gnomAD 0.00003; TOPMed 0.00003; ESP Exome Variant Server 0.00008.
gnomAD v4.1: 7 of 1,612,612 alleles (0.00043%); highest among the groups gnomAD compares: African/African-American, 0.0093%; no homozygotes.

Submissions (5):

Labcorp Genetics (formerly Invitae), Labcorp
Classification: Uncertain significance for Rhabdoid tumor predisposition syndrome 2. Last evaluated: 2026-01-26. Review status: criteria provided, single submitter. Criteria: Invitae Variant Classification Sherloc (09022015). Collection method: clinical testing. Allele origin: germline.
Comment: This sequence change replaces serine, which is neutral and polar, with glycine, which is neutral and non-polar, at codon 1449 of the SMARCA4 protein (p.Ser1449Gly). This variant is present in population databases (rs373390083, gnomAD 0.007%). This variant has not been reported in the literature in individuals affected with SMARCA4-related conditions. ClinVar contains an entry for this variant (Variation ID: 470394). Invitae Evidence Modeling of protein sequence and biophysical properties (such as structural, functional, and spatial information, amino acid conservation, physicochemical variation, residue mobility, and thermodynamic stability) indicates that this missense variant is not expected to disrupt SMARCA4 protein function with a negative predictive value of 95%. In summary, the available evidence is currently insufficient to determine the role of this variant in disease. Therefore, it has been classified as a Variant of Uncertain Significance.

Baylor Genetics
Classification: Uncertain significance for Rhabdoid tumor predisposition syndrome 2. Last evaluated: 2024-02-28. Review status: criteria provided, single submitter. Criteria: ACMG Guidelines, 2015. Collection method: clinical testing. Allele origin: unknown.

Ambry Genetics
Classification: Likely benign for Hereditary cancer-predisposing syndrome. Last evaluated: 2024-01-02. Review status: criteria provided, single submitter. Criteria: Ambry Variant Classification Scheme 2023. Collection method: clinical testing. Allele origin: germline.

Sema4
Classification: Uncertain significance for Hereditary cancer-predisposing syndrome. Last evaluated: 2021-11-22. Review status: criteria provided, single submitter. Criteria: Sema4 Curation Guidelines. Collection method: curation. Allele origin: germline.
Comment: The SMARCA4 c.4345A>G (p.S1449G) variant has not been reported in the literature to our knowledge. It was observed in 1/248168 chromosomes in the large and broad cohorts of the Genome Aggregation Database (PMID: 32461654). This variant has been reported in ClinVar (Variation ID 470394). Functional studies have not been performed, and in silico predictions of the variant's effect on protein function are inconclusive. The evidence is insufficient to meet ACMG/AMP criteria for classifying the variant as benign or pathogenic. Thus, the clinical significance of this variant is currently uncertain.

Genome-Nilou Lab
Classification: Uncertain significance for Intellectual disability, autosomal dominant 16. Last evaluated: 2021-07-15. Review status: criteria provided, single submitter. Criteria: ACMG Guidelines, 2015. Collection method: clinical testing. Allele origin: germline. Affected: no.

NM_003072.5(SMARCA4):c.4249A>G (p.Ser1417Gly)

Gene: SMARCA4 (SWI/SNF related BAF chromatin remodeling complex subunit ATPase 4; plus strand). Cytogenetic location: 19p13.2.
Variant type: single nucleotide variant.
Coding change: c.4249A>G on transcript NM_003072.5 (MANE Select); coding-DNA position 4249, A replaced by G.
Protein change: p.Ser1417Gly; replaces serine 1417 with glycine.
Molecular consequence: missense variant. On other transcripts: non-coding transcript variant (1).
Genome position (GRCh38, 1-based): chr19:11,041,385, A>G. VCF-style: chr19-11041385-A-G. GRCh37 (hg19) VCF-style: chr19-11152061-A-G.
Other names: c.4249A>G, p.Ser1417Gly (NM_001128844.3); c.4159A>G, p.Ser1387Gly (NM_001128845.2, NM_001128846.2); c.4150A>G, p.Ser1384Gly (NM_001128847.4, NM_001128848.2, NM_001374457.1); c.4345A>G, p.Ser1449Gly (NM_001128849.3, NM_001387283.1); short protein forms S1449G, S1387G, S1417G, S1384G.
Identifiers: ClinVar variation 470394 (VCV000470394.18), dbSNP rs373390083, ClinGen allele CA9204681.
Genomic context (GRCh38, chr19:11,041,385, plus strand): 5'-CTGGAGGAGATCGAAGAGGAGGTCCGGCAGAAGAAATCATCACGGAAGCGCAAGCGAGAC[A>G]GCGACGCCGGCTCCTCCACCCCGACCACCAGCACCCGCAGCCGCGACAAGGACGACGAGA-3'
Protein context (NP_003063.2, residues 1407-1427): KKSSRKRKRD[Ser1417Gly]DAGSSTPTTS